The following is an entry in ClinVar:

NM_001457.4(FLNB):c.4470_4473dup (p.Met1492fs)

Gene: FLNB (filamin B; plus strand). Cytogenetic location: 3p14.3.
Variant type: Duplication.
Coding change: c.4470_4473dup on transcript NM_001457.4 (MANE Select); coding-DNA positions 4470 to 4473, 4 bases duplicated (TTAC; older notation c.4470_4473dupTTAC).
Protein change: p.Met1492fs; shifts the reading frame from methionine 1492.
Molecular consequence: frameshift variant.
Genome position (GRCh38, 1-based): chr3:58,132,887-58,132,890, TTAC duplicated; duplicating any 4 consecutive bases within chr3:58,132,886-58,132,890 gives the same sequence; the c. name uses the placement nearest the transcript's 3' end. VCF-style (leftmost placement, unchanged base first): chr3-58132885-C-CCTTA. GRCh37 (hg19) VCF-style: chr3-58118612-C-CCTTA.
Other names: c.4563_4566dup, p.Met1523fs (NM_001164317.2); c.4470_4473dup, p.Met1492fs (NM_001164318.2, NM_001164319.2); short protein forms M1523fs, M1492fs.
Identifiers: ClinVar variation 1426583 (VCV001426583.6), dbSNP rs2107212379, ClinGen allele CA2573137401.

ClinVar aggregate classification (germline): Pathogenic (1 of 4 stars; one submission).

Submission:

Labcorp Genetics (formerly Invitae), Labcorp
Classification: Pathogenic. Last evaluated: 2021-11-08. Review status: criteria provided, single submitter. Criteria: Invitae Variant Classification Sherloc (09022015). Collection method: clinical testing. Allele origin: germline.
Comment: This sequence change creates a premature translational stop signal (p.Met1492Leufs*6) in the FLNB gene. It is expected to result in an absent or disrupted protein product. Loss-of-function variants in FLNB are known to be pathogenic (PMID: 14991055). This variant is not present in population databases (gnomAD no frequency). This variant has not been reported in the literature in individuals affected with FLNB-related conditions. For these reasons, this variant has been classified as Pathogenic.

Literature cited by the submitters: PubMed 14991055.